The following is an entry in ClinVar:

ClinVar aggregate classification (germline): Uncertain significance (1 of 4 stars; one submission).

Conditions:
Gastrointestinal stromal tumor. Also called: Gastrointestinal stromal tumor, somatic; Gastrointestinal stroma tumor. Identifiers: Orphanet 44890, MedGen C0238198, MeSH D046152, MONDO:0011719, OMIM 606764, HP:0100723.

Allele frequency attached by ClinVar (database versions not stated): TOPMed below 0.00001.

Submission:

Labcorp Genetics (formerly Invitae), Labcorp
Classification: Uncertain significance for Gastrointestinal stromal tumor. Last evaluated: 2022-03-04. Review status: criteria provided, single submitter. Criteria: Invitae Variant Classification Sherloc (09022015). Collection method: clinical testing. Allele origin: germline.
Comment: This sequence change replaces asparagine, which is neutral and polar, with tyrosine, which is neutral and polar, at codon 652 of the KIT protein (p.Asn652Tyr). This variant is not present in population databases (gnomAD no frequency). This variant has not been reported in the literature in individuals affected with KIT-related conditions. Algorithms developed to predict the effect of missense changes on protein structure and function (SIFT, PolyPhen-2, Align-GVGD) all suggest that this variant is likely to be disruptive. In summary, the available evidence is currently insufficient to determine the role of this variant in disease. Therefore, it has been classified as a Variant of Uncertain Significance.

NM_000222.3(KIT):c.1954A>T (p.Asn652Tyr)

Gene: KIT (KIT proto-oncogene, receptor tyrosine kinase; plus strand). Cytogenetic location: 4q12.
Variant type: single nucleotide variant.
Coding change: c.1954A>T on transcript NM_000222.3 (MANE Select); coding-DNA position 1954, A replaced by T.
Protein change: p.Asn652Tyr; replaces asparagine 652 with tyrosine.
Molecular consequence: missense variant.
Genome position (GRCh38, 1-based): chr4:54,728,085, A>T. VCF-style: chr4-54728085-A-T. GRCh37 (hg19) VCF-style: chr4-55594251-A-T.
Other names: c.1942A>T, p.Asn648Tyr (NM_001093772.2, NM_001385286.1); c.1957A>T, p.Asn653Tyr (NM_001385284.1, NM_001385290.1); c.1954A>T, p.Asn652Tyr (NM_001385285.1); c.1945A>T, p.Asn649Tyr (NM_001385288.1, NM_001385292.1); short protein forms N648Y, N652Y, N653Y, N649Y.
Identifiers: ClinVar variation 1512475 (VCV001512475.6), dbSNP rs1473859499, ClinGen allele CA356908732.